The following is an entry in ClinVar:

ClinVar aggregate classification (germline): Uncertain significance. Review status: criteria provided, multiple submitters, no conflicts (2 of 4 stars). 2 submissions from 2 submitters: Uncertain significance (2). Last evaluated 2026-02-03.

Conditions:
LOXHD1-related disorder. Also called: LOXHD1-related condition.
Inborn genetic diseases. Identifiers: MedGen C0950123, MeSH D030342.

gnomAD v4.1: 11 of 1,550,172 alleles (0.00071%); highest among the groups gnomAD compares: East Asian, 0.0098%; no homozygotes.

Submissions (2):

PreventionGenetics, part of Exact Sciences
Classification: Uncertain significance for LOXHD1-related condition. Last evaluated: 2026-02-03. Review status: criteria provided, single submitter. Criteria: ACMG Guidelines, 2015. Collection method: clinical testing. Allele origin: germline.
Comment: The LOXHD1 c.6184C>T variant is predicted to result in the amino acid substitution p.Pro2062Ser. To our knowledge, this variant has not been reported in the literature. This variant is reported in 0.016% of alleles in individuals of East Asian descent in gnomAD. At this time, the clinical significance of this variant is uncertain due to the absence of conclusive functional and genetic evidence.

Ambry Genetics
Classification: Uncertain significance for Inborn genetic diseases. Last evaluated: 2025-05-23. Review status: criteria provided, single submitter. Criteria: Ambry Variant Classification Scheme 2023. Collection method: clinical testing. Allele origin: germline.

NM_001384474.1(LOXHD1):c.6370C>T (p.Pro2124Ser)

Gene: LOXHD1 (lipoxygenase homology PLAT domains 1; minus strand). Cytogenetic location: 18q21.1.
Variant type: single nucleotide variant.
Coding change: c.6370C>T on transcript NM_001384474.1 (MANE Select); coding-DNA position 6370, C replaced by T.
Protein change: p.Pro2124Ser; replaces proline 2124 with serine.
Molecular consequence: missense variant.
Genome position (GRCh38, 1-based): chr18:46,477,924, G>A on the plus strand (C>T on the coding strand, the complement: LOXHD1 is on the minus strand). VCF-style: chr18-46477924-G-A. GRCh37 (hg19) VCF-style: chr18-44057887-G-A.
Other names: c.3037C>T, p.Pro1013Ser (NM_001145472.3); c.1087C>T, p.Pro363Ser (NM_001145473.3, NM_001173129.2); c.2749C>T, p.Pro917Ser (NM_001308013.2); c.6184C>T, p.Pro2062Ser (NM_144612.7); short protein forms P2062S, P2124S, P363S, P1013S, P917S.
Identifiers: ClinVar variation 4048019 (VCV004048019.2).